The following is an entry in ClinVar:

ClinVar aggregate classification (germline): Uncertain significance (1 of 4 stars; one submission).

Conditions:
ISL1-related disorder. Also called: ISL1-related condition.

Submission:

PreventionGenetics, part of Exact Sciences
Classification: Uncertain significance for ISL1-related condition. Last evaluated: 2024-10-17. Review status: criteria provided, single submitter. Criteria: ACMG Guidelines, 2015. Collection method: clinical testing. Allele origin: germline.
Comment: The ISL1 c.907A>G variant is predicted to result in the amino acid substitution p.Ile303Val. To our knowledge, this variant has not been reported in the literature or in a large population database (gnomAD), indicating this variant is rare. At this time, the clinical significance of this variant is uncertain due to the absence of conclusive functional and genetic evidence.

NM_002202.3(ISL1):c.907A>G (p.Ile303Val)

Gene: ISL1 (ISL LIM homeobox 1; plus strand). Cytogenetic location: 5q11.1.
Variant type: single nucleotide variant.
Coding change: c.907A>G on transcript NM_002202.3 (MANE Select); coding-DNA position 907, A replaced by G.
Protein change: p.Ile303Val; replaces isoleucine 303 with valine.
Molecular consequence: missense variant.
Genome position (GRCh38, 1-based): chr5:51,391,415, A>G. VCF-style: chr5-51391415-A-G. GRCh37 (hg19) VCF-style: chr5-50687249-A-G.
Other names: short protein forms I303V.
Identifiers: ClinVar variation 4997380 (VCV004997380.1).
Genomic context (GRCh38, chr5:51,391,415, plus strand): 5'-GAAGTACAAAGTTACCAGCCACCTTGGAAAGTACTGAGCGACTTCGCCTTGCAGAGTGAC[A>G]TAGATCAGCCTGCTTTTCAGCAACTGGTAAGTGTCAGCTCCCAGATGGAAGAGGCTGAAT-3'
Protein context (NP_002193.2, residues 293-313): VLSDFALQSD[Ile303Val]DQPAFQQLVN